The following is an entry in ClinVar:

NM_000393.5(COL5A2):c.3188C>A (p.Ala1063Asp)

Gene: COL5A2 (collagen type V alpha 2 chain; minus strand). Cytogenetic location: 2q32.2.
Variant type: single nucleotide variant.
Coding change: c.3188C>A on transcript NM_000393.5 (MANE Select); coding-DNA position 3188, C replaced by A.
Protein change: p.Ala1063Asp; replaces alanine 1063 with aspartic acid.
Molecular consequence: missense variant.
Genome position (GRCh38, 1-based): chr2:189,048,222, G>T on the plus strand (C>A on the coding strand, the complement: COL5A2 is on the minus strand). VCF-style: chr2-189048222-G-T. GRCh37 (hg19) VCF-style: chr2-189912948-G-T.
Other names: short protein forms A1063D.
Identifiers: ClinVar variation 4055845 (VCV004055845.1).

ClinVar aggregate classification (germline): Uncertain significance (1 of 4 stars; one submission).

Submission:

GeneDx
Classification: Uncertain significance. Last evaluated: 2025-01-02. Review status: criteria provided, single submitter. Criteria: GeneDx Variant Classification Process June 2021. Collection method: clinical testing. Allele origin: germline. Affected: yes.
Comment: Not observed at significant frequency in large population cohorts (gnomAD); In silico analysis supports that this missense variant has a deleterious effect on protein structure/function; Has not been previously published as pathogenic or benign to our knowledge